The following is an entry in ClinVar:

NM_003072.5(SMARCA4):c.4001A>C (p.Lys1334Thr)

Gene: SMARCA4 (SWI/SNF related BAF chromatin remodeling complex subunit ATPase 4; plus strand). Cytogenetic location: 19p13.2.
Variant type: single nucleotide variant.
Coding change: c.4001A>C on transcript NM_003072.5 (MANE Select); coding-DNA position 4001, A replaced by C.
Protein change: p.Lys1334Thr; replaces lysine 1334 with threonine.
Molecular consequence: missense variant. On other transcripts: non-coding transcript variant (1).
Genome position (GRCh38, 1-based): chr19:11,034,963, A>C. VCF-style: chr19-11034963-A-C. GRCh37 (hg19) VCF-style: chr19-11145639-A-C.
Other names: c.4001A>C, p.Lys1334Thr (NM_001128844.3, NM_001128849.3, NM_001387283.1); c.3902A>C, p.Lys1301Thr (NM_001128845.2, NM_001128846.2, NM_001128847.4 and 3 more transcripts); short protein forms K1334T, K1301T.
Identifiers: ClinVar variation 2746858 (VCV002746858.3), dbSNP rs2075177811, ClinGen allele CA404068086.

ClinVar aggregate classification (germline): Uncertain significance (1 of 4 stars; one submission).

Conditions:
Rhabdoid tumor predisposition syndrome 2 (RTPS2). Identifiers: Orphanet 231108, Orphanet 69077, MedGen C2750074, MONDO:0013224, OMIM 613325.

Submission:

Labcorp Genetics (formerly Invitae), Labcorp
Classification: Uncertain significance for Rhabdoid tumor predisposition syndrome 2. Last evaluated: 2023-07-25. Review status: criteria provided, single submitter. Criteria: Invitae Variant Classification Sherloc (09022015). Collection method: clinical testing. Allele origin: germline.
Comment: In summary, the available evidence is currently insufficient to determine the role of this variant in disease. Therefore, it has been classified as a Variant of Uncertain Significance. Advanced modeling of protein sequence and biophysical properties (such as structural, functional, and spatial information, amino acid conservation, physicochemical variation, residue mobility, and thermodynamic stability) performed at Invitae indicates that this missense variant is expected to disrupt SMARCA4 protein function. This variant has not been reported in the literature in individuals affected with SMARCA4-related conditions. This variant is not present in population databases (gnomAD no frequency). This sequence change replaces lysine, which is basic and polar, with threonine, which is neutral and polar, at codon 1334 of the SMARCA4 protein (p.Lys1334Thr).